The following is an entry in ClinVar:

ClinVar aggregate classification (germline): Uncertain significance (1 of 4 stars; one submission).

gnomAD v4.1: 6 of 1,208,625 alleles (0.0005%); highest among the groups gnomAD compares: East Asian, 0.003%; no homozygotes.

Submission:

Labcorp Genetics (formerly Invitae), Labcorp
Classification: Uncertain significance. Last evaluated: 2025-06-04. Review status: criteria provided, single submitter. Criteria: Invitae Variant Classification Sherloc (09022015). Collection method: clinical testing. Allele origin: germline.
Comment: This sequence change replaces proline, which is neutral and non-polar, with leucine, which is neutral and non-polar, at codon 330 of the GYG2 protein (p.Pro330Leu). This variant is not present in population databases (gnomAD no frequency). This variant has not been reported in the literature in individuals affected with GYG2-related conditions. An algorithm developed to predict the effect of missense changes on protein structure and function outputs the following: PolyPhen-2: "Benign". The leucine amino acid residue is found in multiple mammalian species, which suggests that this missense change does not adversely affect protein function. In summary, the available evidence is currently insufficient to determine the role of this variant in disease. Therefore, it has been classified as a Variant of Uncertain Significance.

NM_001079855.2(GYG2):c.896C>T (p.Pro299Leu)

Gene: GYG2 (glycogenin 2; plus strand). Cytogenetic location: Xp22.33.
Variant type: single nucleotide variant.
Coding change: c.896C>T on transcript NM_001079855.2 (MANE Select); coding-DNA position 896, C replaced by T.
Protein change: p.Pro299Leu; replaces proline 299 with leucine.
Molecular consequence: missense variant.
Genome position (GRCh38, 1-based): chrX:2,861,580, C>T. VCF-style: chrX-2861580-C-T. GRCh37 (hg19) VCF-style: chrX-2779621-C-T.
Other names: c.896C>T, p.Pro299Leu (NM_001184702.2); c.989C>T, p.Pro330Leu (NM_001184703.2, NM_003918.3); c.431C>T, p.Pro144Leu (NM_001184704.2); short protein forms P330L, P144L, P299L.
Identifiers: ClinVar variation 4704949 (VCV004704949.1).